The following is an entry in ClinVar:

NM_006180.6(NTRK2):c.2113C>T (p.Leu705=)

Gene: NTRK2 (neurotrophic receptor tyrosine kinase 2; plus strand). Cytogenetic location: 9q21.33.
Variant type: single nucleotide variant.
Coding change: c.2113C>T on transcript NM_006180.6 (MANE Select); coding-DNA position 2113, C replaced by T.
Protein change: p.Leu705=; no amino-acid change (leucine 705 retained).
Molecular consequence: synonymous variant.
Genome position (GRCh38, 1-based): chr9:84,955,458, C>T. VCF-style: chr9-84955458-C-T. GRCh37 (hg19) VCF-style: chr9-87570373-C-T.
Other names: c.2065C>T, p.Leu689= (NM_001018064.3, NM_001369532.1, NM_001369533.1); c.2029C>T, p.Leu677= (NM_001369534.1); c.1597C>T, p.Leu533= (NM_001369535.1); c.1645C>T, p.Leu549= (NM_001369536.1).
Identifiers: ClinVar variation 285265 (VCV000285265.20), dbSNP rs75380746, ClinGen allele CA5105917.

ClinVar aggregate classification (germline): Benign/Likely benign. Review status: criteria provided, multiple submitters, no conflicts (2 of 4 stars). 6 submissions from 6 submitters: Benign (3); Likely benign (2). 1 of the submissions does not count toward it. Last evaluated 2026-02-03.

Conditions:
NTRK2-related disorder. Also called: NTRK2-related condition.
Developmental and epileptic encephalopathy, 58. Also called: EPILEPTIC ENCEPHALOPATHY, EARLY INFANTILE, 58. Identifiers: MedGen C4693367, MONDO:0033367, OMIM 617830.
Obesity, hyperphagia, and developmental delay (OBHD). Identifiers: Orphanet 99704, MedGen C3151303, MONDO:0013483, OMIM 613886.

Allele frequency attached by ClinVar (database versions not stated): TOPMed 0.00294; 1000 Genomes Project 30x 0.00390; 1000 Genomes Project 0.00439; ESP Exome Variant Server 0.00446; gnomAD exomes 0.00608 and 0.00869; gnomAD 0.00617 and 0.00644; ExAC 0.00892.
gnomAD v4.1: 9,882 of 1,614,222 alleles (0.61%); highest among the groups gnomAD compares: South Asian, 1.6%; 103 homozygotes.

Submissions (6):

Labcorp Genetics (formerly Invitae), Labcorp
Classification: Benign. Last evaluated: 2026-02-03. Review status: criteria provided, single submitter. Criteria: Invitae Variant Classification Sherloc (09022015). Collection method: clinical testing. Allele origin: germline.

Blueprint Genetics
Classification: Likely benign. Last evaluated: 2024-11-27. Review status: criteria provided, single submitter. Criteria: ACMG Guidelines, 2015. Collection method: clinical testing. Allele origin: germline.

Fulgent Genetics
Classification: Likely benign for Obesity, hyperphagia, and developmental delay; Developmental and epileptic encephalopathy, 58. Last evaluated: 2021-07-19. Review status: criteria provided, single submitter. Criteria: ACMG Guidelines, 2015. Collection method: clinical testing. Allele origin: unknown.

Eurofins Ntd Llc (ga)
Classification: Benign. Last evaluated: 2016-01-07. Review status: criteria provided, single submitter. Criteria: EGL Classification Definitions 2015. Collection method: clinical testing. Allele origin: germline. Observed: 1 variant allele, 1 heterozygote.

Breakthrough Genomics
Classification: Benign. Review status: criteria provided, single submitter. Criteria: ACMG Guidelines, 2015. Collection method: not provided. Allele origin: germline. Inheritance: Autosomal dominant inheritance. Affected: yes.

PreventionGenetics, part of Exact Sciences
Classification: Benign for NTRK2-related condition. Last evaluated: 2019-03-06. Review status: no assertion criteria provided. Collection method: clinical testing. Allele origin: germline. Not counted in ClinVar's aggregate classification.
Comment: This variant is classified as benign based on ACMG/AMP sequence variant interpretation guidelines (Richards et al. 2015 PMID: 25741868, with internal and published modifications).